The following is an entry in ClinVar:

ClinVar aggregate classification (germline): Likely benign (0 of 4 stars; one submission).

Conditions:
ACTC1-related disorder. Also called: ACTC1-related condition.

Allele frequency attached by ClinVar (database versions not stated): gnomAD 0.00040 and 0.00041; TOPMed 0.00044; 1000 Genomes Project 0.00060; 1000 Genomes Project 30x 0.00062.

Submission:

PreventionGenetics, part of Exact Sciences
Classification: Likely benign for ACTC1-related condition. Last evaluated: 2019-04-29. Review status: no assertion criteria provided. Collection method: clinical testing. Allele origin: germline.
Comment: This variant is classified as likely benign based on ACMG/AMP sequence variant interpretation guidelines (Richards et al. 2015 PMID: 25741868, with internal and published modifications).

NC_000015.10:g.34788631G>A

Genes: ACTC1 (actin alpha cardiac muscle 1; minus strand), GJD2-DT (GJD2 divergent transcript; plus strand). Cytogenetic location: 15q14.
Variant type: single nucleotide variant.
Genome position: GRCh38 VCF-style: chr15-34788631-G-A. GRCh37 (hg19) VCF-style: chr15-35080832-G-A.
Identifiers: ClinVar variation 315651 (VCV000315651.9), dbSNP rs560065427, ClinGen allele CA10635846.